The following is an entry in ClinVar:

ClinVar aggregate classification (germline): Pathogenic/Likely pathogenic. Review status: criteria provided, multiple submitters, no conflicts (2 of 4 stars). 15 submissions from 15 submitters: Pathogenic (6); Likely pathogenic (5). 4 of the submissions do not count toward it. Last evaluated 2025-12-17.

Conditions:
RANBP2-related disorder. Also called: RANBP2-related condition.
Familial acute necrotizing encephalopathy (IIAE3). Also called: ENCEPHALOPATHY, ACUTE, INFECTION-INDUCED, SUSCEPTIBILITY TO, 3; Susceptibility to Acute Necrotizing Encephalopathy 1. Identifiers: Orphanet 88619, MedGen C2675556, MONDO:0011953, OMIM 608033.

Allele frequency attached by ClinVar (database versions not stated): TOPMed below 0.00001; ExAC 0.00001; gnomAD exomes below 0.00001; gnomAD 0.00001.
gnomAD v4.1: 2 of 1,611,744 alleles (0.00012%); highest among the groups gnomAD compares: Non-Finnish European, 0.000085%; no homozygotes.

Submissions (15):

Labcorp Genetics (formerly Invitae), Labcorp
Classification: Pathogenic for Familial acute necrotizing encephalopathy. Last evaluated: 2025-12-17. Review status: criteria provided, single submitter. Criteria: Invitae Variant Classification Sherloc (09022015). Collection method: clinical testing. Allele origin: germline.
Comment: This sequence change replaces threonine, which is neutral and polar, with methionine, which is neutral and non-polar, at codon 585 of the RANBP2 protein (p.Thr585Met). This variant is present in population databases (rs121434502, gnomAD no frequency). This missense change has been observed in individual(s) with acute necrotizing encephalopathy (ANE) (PMID: 19118815, 19811512, 20473521, 21205700, 21945312, 25128471, 25522933, 26110162, 26923722, 27591117, 28336122). In at least one individual the variant was observed to be de novo. It has also been observed to segregate with disease in related individuals. ClinVar contains an entry for this variant (Variation ID: 8363). An algorithm developed to predict the effect of missense changes on protein structure and function (PolyPhen-2) suggests that this variant is likely to be tolerated. For these reasons, this variant has been classified as Pathogenic.

Victorian Clinical Genetics Services, Murdoch Childrens Research Institute
Classification: Pathogenic for Familial acute necrotizing encephalopathy. Last evaluated: 2025-09-04. Review status: criteria provided, single submitter. Criteria: ACMG Guidelines, 2015. Collection method: clinical testing. Allele origin: germline. Affected: yes.
Comment: This variant is classified as Pathogenic. Evidence in support of pathogenic classification: Variant is present in gnomAD (v3) <0.001 for a dominant condition (1 heterozygotes, 0 homozygotes); This variant has strong previous evidence of pathogenicity in unrelated individuals. The p.(Thr585Met) variant is recurrent in individuals with acute infection-induced encephalopathy, and has been reported de novo and in families with incomplete penetrance (ClinVar, PMID: 19118815, 30796099, 27591117). Additional information: Variant is predicted to result in a missense amino acid change from threonine to methionine; This variant is heterozygous; This gene is associated with autosomal dominant disease; Variant is not located in an established domain, motif, hotspot or informative constraint region; The mechanism of disease for this gene is not clearly established; The condition associated with this gene has incomplete penetrance. Asymptomatic carriers are well-reported in the literature (PMID: 19118815, 30796099). Penetrance was estimated at 40% in one large family (PMID: 19118815).

3billion
Classification: Pathogenic for Familial acute necrotizing encephalopathy. Last evaluated: 2024-11-26. Review status: criteria provided, single submitter. Criteria: ACMG Guidelines, 2015. Collection method: clinical testing. Allele origin: germline. Affected: yes.
Comment: The variant is observed at an extremely low frequency in the gnomAD v4.1.0 dataset (total allele frequency: <0.001%). Predicted Consequence/Location: Missense variant The same nucleotide change resulting in the same amino acid change has been previously reported as pathogenic/likely pathogenic with strong evidence (ClinVar ID: VCV000008363 /PMID: 19118815 /3billion dataset). The variant has been observed in multiple (>3) similarly affected unrelated individuals (PMID: 19118815, 25522933, 26110162, 26923722, 27591117, 28336122). Therefore, this variant is classified as Pathogenic according to the recommendation of ACMG/AMP guideline.

Genomic Research Center, Shahid Beheshti University of Medical Sciences
Classification: Likely pathogenic for Familial acute necrotizing encephalopathy. Last evaluated: 2024-10-29. Review status: criteria provided, single submitter. Criteria: ACMG Guidelines, 2015. Collection method: clinical testing. Allele origin: unknown. Inheritance: Autosomal dominant inheritance. Affected: yes.

Blueprint Genetics
Classification: Pathogenic for RANBP2-related disorders. Last evaluated: 2024-09-02. Review status: criteria provided, single submitter. Criteria: ACMG Guidelines, 2015. Collection method: clinical testing. Allele origin: germline. Affected: yes. Observed: 5 variant alleles.

GeneDx
Classification: Pathogenic. Last evaluated: 2024-02-22. Review status: criteria provided, single submitter. Criteria: GeneDx Variant Classification Process June 2021. Collection method: clinical testing. Allele origin: germline. Affected: yes.
Comment: Not observed at significant frequency in large population cohorts (gnomAD); In silico analysis supports that this missense variant does not alter protein structure/function; This variant is associated with the following publications: (PMID: 21205700, 20473521, 29741717, 34377735, 33879512, 24321870, 25128471, 26923722, 27591117, 19811512, 21945312, 28336122, 25522933, 30796099, 29687329, 31589614, 33726816, 32760653, 34059398, 19118815, 34400285, 33777149, 33761695)

Institute of Medical Genetics and Genomics, Sir Ganga Ram Hospital
Classification: Likely pathogenic for Familial acute necrotizing encephalopathy. Last evaluated: 2023-06-24. Review status: criteria provided, single submitter. Criteria: ACMG Guidelines, 2015. Collection method: clinical testing. Allele origin: inherited. Inheritance: Autosomal dominant inheritance. Affected: yes. Observed: 2 variant alleles, 2 heterozygotes.
Comment: This variant is not found in gnomAD (PM2_moderate). This variant has been previously reported PMID: 32760653 (PP5_very strong). PMID 19811512 has reported the presence of a heterozygous c.1880C>T in mother as well as the proband and the encephalopathy was triggered post a viral infection or illness.

Centre of Medical Genetics, University Hospital Muenster
Classification: Likely pathogenic. Last evaluated: 2023-02-28. Review status: criteria provided, single submitter. Criteria: ACMG Guidelines, 2015. Collection method: clinical testing. Allele origin: unknown. Affected: yes. Observed: 1 variant allele, 1 heterozygote.
Comment: ACMG categories: PS4,PM2,PP5,BP4

Institute of Medical Genetics and Applied Genomics, University Hospital Tübingen
Classification: Likely pathogenic. Last evaluated: 2021-02-01. Review status: criteria provided, single submitter. Criteria: ACMG Guidelines, 2015. Collection method: clinical testing. Allele origin: germline. Inheritance: Autosomal dominant inheritance. Affected: yes.

Fulgent Genetics
Classification: Pathogenic for Familial acute necrotizing encephalopathy. Last evaluated: 2018-10-31. Review status: criteria provided, single submitter. Criteria: ACMG Guidelines, 2015. Collection method: clinical testing. Allele origin: unknown.

Suma Genomics
Classification: Likely pathogenic for Familial acute necrotizing encephalopathy. Review status: criteria provided, single submitter. Criteria: ACMG Guidelines, 2015. Collection method: clinical testing. Allele origin: unknown. Inheritance: Autosomal dominant inheritance. Affected: yes.

OMIM
Classification: risk factor for ENCEPHALOPATHY, ACUTE, INFECTION-INDUCED, SUSCEPTIBILITY TO, 3. Last evaluated: 2011-01-04. Review status: no assertion criteria provided. Collection method: literature only. Allele origin: germline. Not counted in ClinVar's aggregate classification.

Diagnostic Laboratory, Department of Genetics, University Medical Center Groningen
Classification: Pathogenic for Familial acute necrotizing encephalopathy. Review status: no assertion criteria provided. Collection method: clinical testing. Allele origin: germline. Affected: yes. Study: VKGL Data-share Consensus. Not counted in ClinVar's aggregate classification.

GeneReviews
No classification provided. Condition: Familial acute necrotizing encephalopathy. Review status: no classification provided. Collection method: literature only. Allele origin: germline. Affected: yes. Not counted in ClinVar's aggregate classification.

Genome Diagnostics Laboratory, Amsterdam University Medical Center
Classification: Pathogenic. Review status: no assertion criteria provided. Collection method: clinical testing. Allele origin: germline. Affected: yes. Study: VKGL Data-share Consensus. Not counted in ClinVar's aggregate classification.

Literature cited by the submitters: PubMed 19118815 (cited by 4 submitters); PubMed 19811512 (cited by Labcorp Genetics (formerly Invitae), Labcorp); PubMed 20473521 (cited by Labcorp Genetics (formerly Invitae), Labcorp); PubMed 21205700 (cited by Labcorp Genetics (formerly Invitae), Labcorp and OMIM); PubMed 21945312 (cited by Labcorp Genetics (formerly Invitae), Labcorp); PubMed 25128471 (cited by Labcorp Genetics (formerly Invitae), Labcorp); PubMed 25522933 (cited by Labcorp Genetics (formerly Invitae), Labcorp and 3billion); PubMed 26110162 (cited by Labcorp Genetics (formerly Invitae), Labcorp and 3billion); PubMed 26923722 (cited by Labcorp Genetics (formerly Invitae), Labcorp and 3billion); PubMed 27591117 (cited by 3 submitters); PubMed 28336122 (cited by Labcorp Genetics (formerly Invitae), Labcorp and 3billion); PubMed 30796099 (cited by Victorian Clinical Genetics Services, Murdoch Childrens Research Institute); PubMed 32760653 (cited by Institute of Medical Genetics and Genomics, Sir Ganga Ram Hospital); NCBI Bookshelf NBK258641 (cited by GeneReviews).

NM_006267.5(RANBP2):c.1754C>T (p.Thr585Met)

Gene: RANBP2 (RAN binding protein 2; plus strand). Cytogenetic location: 2q13.
Variant type: single nucleotide variant.
Coding change: c.1754C>T on transcript NM_006267.5 (MANE Select); coding-DNA position 1754, C replaced by T.
Protein change: p.Thr585Met; replaces threonine 585 with methionine.
Molecular consequence: missense variant.
Genome position (GRCh38, 1-based): chr2:108,751,993, C>T. VCF-style: chr2-108751993-C-T. GRCh37 (hg19) VCF-style: chr2-109368449-C-T.
Other names: short protein forms T585M.
Identifiers: ClinVar variation 8363 (VCV000008363.35), dbSNP rs121434502, ClinGen allele CA340773.